The following is an entry in ClinVar:

NM_007190.4(SEC23IP):c.625C>T (p.Pro209Ser)

Gene: SEC23IP (SEC23 interacting protein; plus strand). Cytogenetic location: 10q26.11.
Variant type: single nucleotide variant.
Coding change: c.625C>T on transcript NM_007190.4 (MANE Select); coding-DNA position 625, C replaced by T.
Protein change: p.Pro209Ser; replaces proline 209 with serine.
Molecular consequence: missense variant.
Genome position (GRCh38, 1-based): chr10:119,898,888, C>T. VCF-style: chr10-119898888-C-T. GRCh37 (hg19) VCF-style: chr10-121658400-C-T.
Other names: short protein forms P209S.
Identifiers: ClinVar variation 771886 (VCV000771886.6), dbSNP rs148955366, ClinGen allele CA5718305.

ClinVar aggregate classification (germline): Benign. Review status: criteria provided, multiple submitters, no conflicts (2 of 4 stars). 3 submissions from 3 submitters: Benign (2). 1 of the submissions does not count toward it. Last evaluated 2018-03-29.

Conditions:
SEC23IP-related disorder. Also called: SEC23IP-related condition.

Allele frequency attached by ClinVar (database versions not stated): 1000 Genomes Project 30x 0.00250; 1000 Genomes Project 0.00280; TOPMed 0.00545; ESP Exome Variant Server 0.00600; gnomAD 0.00846 and 0.00877; gnomAD exomes 0.00895; ExAC 0.00909.

Submissions (3):

Labcorp Genetics (formerly Invitae), Labcorp
Classification: Benign. Last evaluated: 2018-03-29. Review status: criteria provided, single submitter. Criteria: Invitae Variant Classification Sherloc (09022015). Collection method: clinical testing. Allele origin: germline.

Breakthrough Genomics
Classification: Benign. Review status: criteria provided, single submitter. Criteria: ACMG Guidelines, 2015. Collection method: not provided. Allele origin: germline. Inheritance: Unknown mechanism. Affected: yes.

PreventionGenetics, part of Exact Sciences
Classification: Benign for SEC23IP-related condition. Last evaluated: 2019-03-04. Review status: no assertion criteria provided. Collection method: clinical testing. Allele origin: germline. Not counted in ClinVar's aggregate classification.
Comment: This variant is classified as benign based on ACMG/AMP sequence variant interpretation guidelines (Richards et al. 2015 PMID: 25741868, with internal and published modifications).